The following is an entry in ClinVar:

NM_022124.6(CDH23):c.-258G>A

Gene: CDH23 (cadherin related 23; plus strand). Cytogenetic location: 10q22.1.
Variant type: single nucleotide variant.
Coding change: c.-258G>A on transcript NM_022124.6 (MANE Select); 258 bases upstream of the start codon, G replaced by A.
Molecular consequence: 5 prime UTR variant.
Genome position (GRCh38, 1-based): chr10:71,397,066, G>A. VCF-style: chr10-71397066-G-A. GRCh37 (hg19) VCF-style: chr10-73156823-G-A.
Other names: c.-258G>A (NM_001171930.2, NM_001171931.2, NM_001171932.2 and 1 more transcripts).
Identifiers: ClinVar variation 300389 (VCV000300389.7), dbSNP rs139742443, ClinGen allele CA10635668.
Genomic context (GRCh38, chr10:71,397,066, plus strand): 5'-GCGGCCGGACGCTGAGGTGGTCGGGGCTAGTCAGCCCGGCCTGGGCATGGAGCGCGGGGT[G>A]GCAGAGCCTCTGGACGTTTGGGGCGCGCCCAGTCCGAGCCCCCGGCGCGCCTGAAGTTGC-3'

ClinVar aggregate classification (germline): Benign/Likely benign. Review status: criteria provided, multiple submitters, no conflicts (2 of 4 stars). 4 submissions from 3 submitters: Benign (2); Likely benign (2). Last evaluated 2021-05-12.

Conditions:
Autosomal recessive nonsyndromic hearing loss 12. Also called: DEAFNESS, AUTOSOMAL RECESSIVE 12. Identifiers: Orphanet 90636, MedGen C1832394, MONDO:0011067, OMIM 601386.
Usher syndrome type 1D (USH1D). Also called: USHER SYNDROME, TYPE ID. Identifiers: Orphanet 231169, Orphanet 886, MedGen C1832845, MONDO:0010984, OMIM 601067.

Allele frequency attached by ClinVar (database versions not stated): gnomAD exomes 0.03317; 1000 Genomes Project 30x 0.03607; 1000 Genomes Project 0.03734; gnomAD 0.03782 and 0.03851; TOPMed 0.04017.
gnomAD v4.1: 5,884 of 155,680 alleles (3.8%); highest among the groups gnomAD compares: Middle Eastern, 6.5%; 128 homozygotes.

Submissions (4):

GeneDx
Classification: Benign. Last evaluated: 2021-05-12. Review status: criteria provided, single submitter. Criteria: GeneDx Variant Classification Process June 2021. Collection method: clinical testing. Allele origin: germline. Affected: yes.

Illumina Laboratory Services, Illumina
Classification: Likely benign for Autosomal recessive nonsyndromic hearing loss 12. Last evaluated: 2018-01-13. Review status: criteria provided, single submitter. Criteria: ICSL Variant Classification Criteria 13 December 2019. Collection method: clinical testing. Allele origin: germline.
Comment: This variant was observed in the ICSL laboratory as part of a predisposition screen in an ostensibly healthy population. It had not been previously curated by ICSL or reported in the Human Gene Mutation Database (HGMD: prior to June 1st, 2018), and was therefore a candidate for classification through an automated scoring system. Utilizing variant allele frequency, disease prevalence and penetrance estimates, and inheritance mode, an automated score was calculated to assess if this variant is too frequent to cause the disease. Based on the score and internal cut-off values, a variant classified as likely benign is not then subjected to further curation. The score for this variant resulted in a classification of likely benign for this disease.

Illumina Laboratory Services, Illumina
Classification: Benign for Usher syndrome type 1D. Last evaluated: 2018-01-13. Review status: criteria provided, single submitter. Criteria: ICSL Variant Classification Criteria 13 December 2019. Collection method: clinical testing. Allele origin: germline.
Comment: This variant was observed in the ICSL laboratory as part of a predisposition screen in an ostensibly healthy population. It had not been previously curated by ICSL or reported in the Human Gene Mutation Database (HGMD: prior to June 1st, 2018), and was therefore a candidate for classification through an automated scoring system. Utilizing variant allele frequency, disease prevalence and penetrance estimates, and inheritance mode, an automated score was calculated to assess if this variant is too frequent to cause the disease. Based on the score and internal cut-off values, a variant classified as benign is not then subjected to further curation. The score for this variant resulted in a classification of benign for this disease.

Breakthrough Genomics
Classification: Likely benign. Review status: criteria provided, single submitter. Criteria: ACMG Guidelines, 2015. Collection method: not provided. Allele origin: germline. Inheritance: Autosomal recessive inheritance. Affected: yes.